The following is an entry in ClinVar:

NM_001384732.1(CPLANE1):c.5583T>G (p.Thr1861=)

Gene: CPLANE1 (ciliogenesis and planar polarity effector complex subunit 1; minus strand). Cytogenetic location: 5p13.2.
Variant type: single nucleotide variant.
Coding change: c.5583T>G on transcript NM_001384732.1 (MANE Select); coding-DNA position 5583, T replaced by G.
Protein change: p.Thr1861=; no amino-acid change (threonine 1861 retained).
Molecular consequence: synonymous variant.
Genome position (GRCh38, 1-based): chr5:37,180,171, A>C on the plus strand (T>G on the coding strand, the complement: CPLANE1 is on the minus strand). VCF-style: chr5-37180171-A-C. GRCh37 (hg19) VCF-style: chr5-37180273-A-C.
Other names: c.5583T>G, p.Thr1861= (NM_023073.4).
Identifiers: ClinVar variation 2900074 (VCV002900074.24), dbSNP rs953259392, ClinGen allele CA117066833.
Genomic context (GRCh38, chr5:37,180,171, plus strand): 5'-ATTATGAGTGATGGAAATAATATCATCATTGATTTCTTTTATATCAGGATTTTTTGCTTC[A>C]GTTGGCATTCTACTGAAAAAAATGCAGCAACTAAAATTACAACTATTCTTGGAGATAAAG-3'
Protein context (NP_001371661.1, residues 1851-1871): SCQNILNRMP[Thr1861=]EAKNPDIKEI

ClinVar aggregate classification (germline): Likely benign. Review status: criteria provided, multiple submitters, no conflicts (2 of 4 stars). 2 submissions from 2 submitters: Likely benign (2). Last evaluated 2025-07-31.

gnomAD v4.1: 2 of 1,505,310 alleles (0.00013%); highest among the groups gnomAD compares: Non-Finnish European, 0.000089%; no homozygotes.

Submissions (2):

Labcorp Genetics (formerly Invitae), Labcorp
Classification: Likely benign. Last evaluated: 2025-07-31. Review status: criteria provided, single submitter. Criteria: Invitae Variant Classification Sherloc (09022015). Collection method: clinical testing. Allele origin: germline.

CeGaT Center for Human Genetics Tuebingen
Classification: Likely benign. Last evaluated: 2024-03-01. Review status: criteria provided, single submitter. Criteria: CeGaT Center For Human Genetics Tuebingen Variant Classification Criteria Version 2. Collection method: clinical testing. Allele origin: germline. Affected: yes. Observed: 1 variant allele.
Comment: CPLANE1: BP4, BP7